The following is an entry in ClinVar:

NM_145290.4(ADGRA3):c.3814G>C (p.Val1272Leu)

Gene: ADGRA3 (adhesion G protein-coupled receptor A3; minus strand). Cytogenetic location: 4p15.2.
Variant type: single nucleotide variant.
Coding change: c.3814G>C on transcript NM_145290.4 (MANE Select); coding-DNA position 3814, G replaced by C.
Protein change: p.Val1272Leu; replaces valine 1272 with leucine.
Molecular consequence: missense variant.
Genome position (GRCh38, 1-based): chr4:22,387,857, C>G on the plus strand (G>C on the coding strand, the complement: ADGRA3 is on the minus strand). VCF-style: chr4-22387857-C-G. GRCh37 (hg19) VCF-style: chr4-22389480-C-G.
Other names: short protein forms V1272L.
Identifiers: ClinVar variation 4695769 (VCV004695769.1).

ClinVar aggregate classification (germline): Uncertain significance (1 of 4 stars; one submission).

gnomAD v4.1: 4 of 1,614,012 alleles (0.00025%); highest among the groups gnomAD compares: Admixed American, 0.005%; no homozygotes.

Submission:

Labcorp Genetics (formerly Invitae), Labcorp
Classification: Uncertain significance. Last evaluated: 2025-10-28. Review status: criteria provided, single submitter. Criteria: Invitae Variant Classification Sherloc (09022015). Collection method: clinical testing. Allele origin: germline.
Comment: This sequence change replaces valine, which is neutral and non-polar, with leucine, which is neutral and non-polar, at codon 1272 of the ADGRA3 protein (p.Val1272Leu). This variant is present in population databases (no rsID available, gnomAD 0.006%). This variant has not been reported in the literature in individuals affected with ADGRA3-related conditions. An algorithm developed to predict the effect of missense changes on protein structure and function (PolyPhen-2) suggests that this variant is likely to be tolerated. In summary, the available evidence is currently insufficient to determine the role of this variant in disease. Therefore, it has been classified as a Variant of Uncertain Significance.